The following is an entry in ClinVar:

ClinVar aggregate classification (germline): Uncertain significance (1 of 4 stars; one submission).

Allele frequency attached by ClinVar (database versions not stated): gnomAD exomes below 0.00001.
gnomAD v4.1: 3 of 1,613,918 alleles (0.00019%); highest among the groups gnomAD compares: Non-Finnish European, 0.00025%; no homozygotes.

Submission:

Labcorp Genetics (formerly Invitae), Labcorp
Classification: Uncertain significance. Last evaluated: 2023-06-25. Review status: criteria provided, single submitter. Criteria: Invitae Variant Classification Sherloc (09022015). Collection method: clinical testing. Allele origin: germline.
Comment: This variant is present in population databases (no rsID available, gnomAD 0.0009%). This variant has not been reported in the literature in individuals affected with MYH14-related conditions. Advanced modeling of protein sequence and biophysical properties (such as structural, functional, and spatial information, amino acid conservation, physicochemical variation, residue mobility, and thermodynamic stability) performed at Invitae indicates that this missense variant is not expected to disrupt MYH14 protein function. In summary, the available evidence is currently insufficient to determine the role of this variant in disease. Therefore, it has been classified as a Variant of Uncertain Significance. This sequence change replaces glycine, which is neutral and non-polar, with glutamic acid, which is acidic and polar, at codon 1803 of the MYH14 protein (p.Gly1803Glu).

NM_001145809.2(MYH14):c.5531G>A (p.Gly1844Glu)

Gene: MYH14 (myosin heavy chain 14; plus strand). Cytogenetic location: 19q13.33.
Variant type: single nucleotide variant.
Coding change: c.5531G>A on transcript NM_001145809.2 (MANE Select); coding-DNA position 5531, G replaced by A.
Protein change: p.Gly1844Glu; replaces glycine 1844 with glutamic acid.
Molecular consequence: missense variant.
Genome position (GRCh38, 1-based): chr19:50,301,722, G>A. VCF-style: chr19-50301722-G-A. GRCh37 (hg19) VCF-style: chr19-50804979-G-A.
Other names: c.5432G>A, p.Gly1811Glu (NM_001077186.2); c.5408G>A, p.Gly1803Glu (NM_024729.4); short protein forms G1811E, G1803E, G1844E.
Identifiers: ClinVar variation 2728852 (VCV002728852.3), dbSNP rs932485163, ClinGen allele CA309594031.
Genomic context (GRCh38, chr19:50,301,722, plus strand): 5'-TAGAGTCACTGACCACAGAGCTGTCAGCTGAGCGCAGTTTCTCAGCCAAGGCAGAGAGCG[G>A]GCGGCAGCAGCTGGAACGGCAGATCCAGGAGCTACGGGGACGCCTGGGTGAGGAGGATGC-3'
Protein context (NP_001139281.1, residues 1834-1854): ERSFSAKAES[Gly1844Glu]RQQLERQIQE